The following is an entry in ClinVar:

NM_198578.4(LRRK2):c.1522A>G (p.Ile508Val)

Gene: LRRK2 (leucine rich repeat kinase 2; plus strand). Cytogenetic location: 12q12.
Variant type: single nucleotide variant.
Coding change: c.1522A>G on transcript NM_198578.4 (MANE Select); coding-DNA position 1522, A replaced by G.
Protein change: p.Ile508Val; replaces isoleucine 508 with valine.
Molecular consequence: missense variant.
Genome position (GRCh38, 1-based): chr12:40,259,583, A>G. VCF-style: chr12-40259583-A-G. GRCh37 (hg19) VCF-style: chr12-40653385-A-G.
Other names: short protein forms I508V.
Identifiers: ClinVar variation 3291886 (VCV003291886.1).

ClinVar aggregate classification (germline): Uncertain significance (1 of 4 stars; one submission).

Conditions:
Inborn genetic diseases. Identifiers: MedGen C0950123, MeSH D030342.

Submission:

Ambry Genetics
Classification: Uncertain significance for Inborn genetic diseases. Last evaluated: 2024-04-06. Review status: criteria provided, single submitter. Criteria: Ambry Variant Classification Scheme 2023. Collection method: clinical testing. Allele origin: germline.
Comment: The p.I508V variant (also known as c.1522A>G), located in coding exon 13 of the LRRK2 gene, results from an A to G substitution at nucleotide position 1522. The isoleucine at codon 508 is replaced by valine, an amino acid with highly similar properties. This amino acid position is conserved. In addition, this alteration is predicted to be tolerated by in silico analysis. Based on the available evidence, the clinical significance of this variant remains unclear.